The following is an entry in ClinVar:

NM_015295.3(SMCHD1):c.920A>G (p.His307Arg)

Gene: SMCHD1 (structural maintenance of chromosomes flexible hinge domain containing 1; plus strand). Cytogenetic location: 18p11.32.
Variant type: single nucleotide variant.
Coding change: c.920A>G on transcript NM_015295.3 (MANE Select); coding-DNA position 920, A replaced by G.
Protein change: p.His307Arg; replaces histidine 307 with arginine.
Molecular consequence: missense variant.
Genome position (GRCh38, 1-based): chr18:2,694,573, A>G. VCF-style: chr18-2694573-A-G. GRCh37 (hg19) VCF-style: chr18-2694571-A-G.
Other names: short protein forms H307R.
Identifiers: ClinVar variation 498932 (VCV000498932.14), dbSNP rs755508169, ClinGen allele CA8870659.

ClinVar aggregate classification (germline): Uncertain significance. Review status: criteria provided, multiple submitters, no conflicts (2 of 4 stars). 3 submissions from 3 submitters: Uncertain significance (3). Last evaluated 2025-10-08.

Conditions:
Inborn genetic diseases. Identifiers: MedGen C0950123, MeSH D030342.
Facioscapulohumeral muscular dystrophy 2 (FSHD2). Also called: MUSCULAR DYSTROPHY, FACIOSCAPULOHUMERAL, TYPE 1B; FACIOSCAPULOHUMERAL MUSCULAR DYSTROPHY 2, DIGENIC; FSHD2, DIGENIC. Identifiers: Orphanet 269, MedGen C1834671, MONDO:0008031, OMIM 158901.

Allele frequency attached by ClinVar (database versions not stated): gnomAD exomes 0.00002 and 0.00005; gnomAD 0.00003 and 0.00004; TOPMed 0.00003; ExAC 0.00005.

Submissions (3):

Labcorp Genetics (formerly Invitae), Labcorp
Classification: Uncertain significance for Facioscapulohumeral muscular dystrophy 2. Last evaluated: 2025-10-08. Review status: criteria provided, single submitter. Criteria: Invitae Variant Classification Sherloc (09022015). Collection method: clinical testing. Allele origin: germline.
Comment: This sequence change replaces histidine, which is basic and polar, with arginine, which is basic and polar, at codon 307 of the SMCHD1 protein (p.His307Arg). This variant is present in population databases (rs755508169, gnomAD 0.009%). This variant has not been reported in the literature in individuals affected with SMCHD1-related conditions. ClinVar contains an entry for this variant (Variation ID: 498932). Invitae Evidence Modeling of protein sequence and biophysical properties (such as structural, functional, and spatial information, amino acid conservation, physicochemical variation, residue mobility, and thermodynamic stability) indicates that this missense variant is not expected to disrupt SMCHD1 protein function with a negative predictive value of 80%. In summary, the available evidence is currently insufficient to determine the role of this variant in disease. Therefore, it has been classified as a Variant of Uncertain Significance.

Ambry Genetics
Classification: Uncertain significance for Inborn genetic diseases. Last evaluated: 2024-07-14. Review status: criteria provided, single submitter. Criteria: Ambry Variant Classification Scheme 2023. Collection method: clinical testing. Allele origin: germline.

Eurofins Ntd Llc (ga)
Classification: Uncertain significance. Last evaluated: 2016-12-06. Review status: criteria provided, single submitter. Criteria: EGL Classification Definitions 2015. Collection method: clinical testing. Allele origin: germline. Observed: 1 variant allele, 1 heterozygote.